The following is an entry in ClinVar:

ClinVar aggregate classification (germline): Uncertain significance (1 of 4 stars; one submission).

Conditions:
Autoimmune lymphoproliferative syndrome, type III caused by mutation in PRKCD. Identifiers: Orphanet 3261, Orphanet 664711, MedGen C3809928, MONDO:8000024, OMIM 615559.

Allele frequency attached by ClinVar (database versions not stated): gnomAD exomes below 0.00001.
gnomAD v4.1: 1 of 1,612,718 alleles (0.000062%); highest among the groups gnomAD compares: Non-Finnish European, 0.000085%; no homozygotes.

Submission:

Labcorp Genetics (formerly Invitae), Labcorp
Classification: Uncertain significance for Autoimmune lymphoproliferative syndrome, type III caused by mutation in PRKCD. Last evaluated: 2022-03-19. Review status: criteria provided, single submitter. Criteria: Invitae Variant Classification Sherloc (09022015). Collection method: clinical testing. Allele origin: germline.
Comment: This sequence change replaces leucine, which is neutral and non-polar, with phenylalanine, which is neutral and non-polar, at codon 182 of the PRKCD protein (p.Leu182Phe). This variant is present in population databases (no rsID available, gnomAD 0.0009%). This variant has not been reported in the literature in individuals affected with PRKCD-related conditions. Algorithms developed to predict the effect of missense changes on protein structure and function are either unavailable or do not agree on the potential impact of this missense change (SIFT: "Deleterious"; PolyPhen-2: "Benign"; Align-GVGD: "Class C0"). In summary, the available evidence is currently insufficient to determine the role of this variant in disease. Therefore, it has been classified as a Variant of Uncertain Significance.

NM_006254.4(PRKCD):c.544C>T (p.Leu182Phe)

Gene: PRKCD (protein kinase C delta; plus strand). Cytogenetic location: 3p21.1.
Variant type: single nucleotide variant.
Coding change: c.544C>T on transcript NM_006254.4 (MANE Select); coding-DNA position 544, C replaced by T.
Protein change: p.Leu182Phe; replaces leucine 182 with phenylalanine.
Molecular consequence: missense variant.
Genome position (GRCh38, 1-based): chr3:53,181,705, C>T. VCF-style: chr3-53181705-C-T. GRCh37 (hg19) VCF-style: chr3-53215721-C-T.
Other names: c.544C>T, p.Leu182Phe (NM_001316327.2, NM_001354679.2, NM_001354680.2 and 1 more transcripts); c.601C>T, p.Leu201Phe (NM_001354676.2); c.592C>T, p.Leu198Phe (NM_001354678.2); short protein forms L198F, L182F, L201F.
Identifiers: ClinVar variation 1386199 (VCV001386199.6), dbSNP rs1553667592, ClinGen allele CA353234617.